The following is an entry in ClinVar:

ClinVar aggregate classification (germline): Benign/Likely benign. Review status: criteria provided, multiple submitters, no conflicts (2 of 4 stars). 5 submissions from 5 submitters: Benign (1); Likely benign (3). 1 of the submissions does not count toward it. Last evaluated 2026-08-01.

Conditions:
IDH2-related disorder. Also called: IDH2-related condition.
D-2-hydroxyglutaric aciduria 2 (D2HGA2). Identifiers: Orphanet 79315, MedGen C3150909, MONDO:0013345, OMIM 613657.

Allele frequency attached by ClinVar (database versions not stated): gnomAD exomes 0.00198 and 0.00205; ExAC 0.00199; 1000 Genomes Project 30x 0.00094; 1000 Genomes Project 0.00100; TOPMed 0.00130; gnomAD 0.00161 and 0.00163; ESP Exome Variant Server 0.00177.
gnomAD v4.1: 3,187 of 1,614,202 alleles (0.2%); highest among the groups gnomAD compares: Non-Finnish European, 0.22%; 6 homozygotes.

Submissions (5):

CeGaT Center for Human Genetics Tuebingen
Classification: Likely benign. Last evaluated: 2026-08-01. Review status: criteria provided, single submitter. Criteria: CeGaT Center For Human Genetics Tuebingen Variant Classification Criteria Version 2. Collection method: clinical testing. Allele origin: germline. Affected: yes. Observed: 5 variant alleles.
Comment: IDH2: BP4, BS1

Labcorp Genetics (formerly Invitae), Labcorp
Classification: Benign for D-2-hydroxyglutaric aciduria 2. Last evaluated: 2025-12-19. Review status: criteria provided, single submitter. Criteria: Invitae Variant Classification Sherloc (09022015). Collection method: clinical testing. Allele origin: germline.

Fulgent Genetics
Classification: Likely benign for D-2-hydroxyglutaric aciduria 2. Last evaluated: 2022-01-28. Review status: criteria provided, single submitter. Criteria: ACMG Guidelines, 2015. Collection method: clinical testing. Allele origin: unknown.

Genetic Services Laboratory, University of Chicago
Classification: Likely benign. Last evaluated: 2014-10-17. Review status: criteria provided, single submitter. Criteria: ACMG Guidelines, 2015. Collection method: clinical testing. Allele origin: germline.

PreventionGenetics, part of Exact Sciences
Classification: Likely benign for IDH2-related condition. Last evaluated: 2020-02-04. Review status: no assertion criteria provided. Collection method: clinical testing. Allele origin: germline. Not counted in ClinVar's aggregate classification.
Comment: This variant is classified as likely benign based on ACMG/AMP sequence variant interpretation guidelines (Richards et al. 2015 PMID: 25741868, with internal and published modifications).

NM_002168.4(IDH2):c.782G>A (p.Arg261His)

Gene: IDH2 (isocitrate dehydrogenase (NADP(+)) 2; minus strand). Cytogenetic location: 15q26.1.
Variant type: single nucleotide variant.
Coding change: c.782G>A on transcript NM_002168.4 (MANE Select); coding-DNA position 782, G replaced by A.
Protein change: p.Arg261His; replaces arginine 261 with histidine.
Molecular consequence: missense variant.
Genome position (GRCh38, 1-based): chr15:90,087,472, C>T on the plus strand (G>A on the coding strand, the complement: IDH2 is on the minus strand). VCF-style: chr15-90087472-C-T. GRCh37 (hg19) VCF-style: chr15-90630704-C-T.
Other names: c.626G>A, p.Arg209His (NM_001289910.1); c.392G>A, p.Arg131His (NM_001290114.2); short protein forms R209H, R261H, R131H.
Identifiers: ClinVar variation 211177 (VCV000211177.49), dbSNP rs118101777, ClinGen allele CA207304.